The following is an entry in ClinVar:

NM_024496.4(IRF2BPL):c.2075C>G (p.Pro692Arg)

Gene: IRF2BPL (interferon regulatory factor 2 binding protein like; minus strand). Cytogenetic location: 14q24.3.
Variant type: single nucleotide variant.
Coding change: c.2075C>G on transcript NM_024496.4 (MANE Select); coding-DNA position 2075, C replaced by G.
Protein change: p.Pro692Arg; replaces proline 692 with arginine.
Molecular consequence: missense variant.
Genome position (GRCh38, 1-based): chr14:77,025,718, G>C on the plus strand (C>G on the coding strand, the complement: IRF2BPL is on the minus strand). VCF-style: chr14-77025718-G-C. GRCh37 (hg19) VCF-style: chr14-77492061-G-C.
Other names: short protein forms P692R.
Identifiers: ClinVar variation 3381718 (VCV003381718.1).
Genomic context (GRCh38, chr14:77,025,718, plus strand): 5'-GGTCCGCTGTTGGCCATGGGGGAATCCGGAATGTTTTGGGGGTGCACTTGGTCCATGCCC[G>C]GGTGGGCGCTAGGCGGCGGGGGCGCCACCTGTAAATTCAGGTCCCCGTTACGTGATGCCA-3'
Protein context (NP_078772.1, residues 682-702): QVAPPPPSAH[Pro692Arg]GMDQVHPQNI

ClinVar aggregate classification (germline): Uncertain significance (1 of 4 stars; one submission).

Submission:

GeneDx
Classification: Uncertain significance. Last evaluated: 2024-05-21. Review status: criteria provided, single submitter. Criteria: GeneDx Variant Classification Process June 2021. Collection method: clinical testing. Allele origin: germline. Affected: yes.
Comment: Not observed at significant frequency in large population cohorts (gnomAD); In silico analysis indicates that this missense variant does not alter protein structure/function; Has not been previously published as pathogenic or benign to our knowledge